The following is an entry in ClinVar:

ClinVar aggregate classification (germline): Likely benign (1 of 4 stars; one submission).

Conditions:
ABCC6-related disorder. Also called: ABCC6-related condition.

gnomAD v4.1: 32 of 1,531,368 alleles (0.0021%); highest among the groups gnomAD compares: Non-Finnish European, 0.0027%; no homozygotes.

Submission:

PreventionGenetics, part of Exact Sciences
Classification: Likely benign for ABCC6-related condition. Last evaluated: 2025-09-11. Review status: criteria provided, single submitter. Criteria: ACMG Guidelines, 2015. Collection method: clinical testing. Allele origin: germline.
Comment: This variant is classified as likely benign based on ACMG/AMP sequence variant interpretation guidelines (Richards et al. 2015 PMID: 25741868, with internal and published modifications).

NM_001171.6(ABCC6):c.3883-48C>T

Gene: ABCC6 (ATP binding cassette subfamily C member 6; minus strand). Cytogenetic location: 16p13.11.
Variant type: single nucleotide variant.
Coding change: c.3883-48C>T on transcript NM_001171.6 (MANE Select); 48 bases into the intron before coding-DNA position 3883, C replaced by T.
Molecular consequence: intron variant.
Genome position (GRCh38, 1-based): chr16:16,155,079, G>A on the plus strand (C>T on the coding strand, the complement: ABCC6 is on the minus strand). VCF-style: chr16-16155079-G-A. GRCh37 (hg19) VCF-style: chr16-16248936-G-A.
Other names: c.3715-48C>T (NM_001440310.1); c.3850-48C>T (NM_001440309.1); c.3541-48C>T (NM_001351800.1).
Identifiers: ClinVar variation 4987410 (VCV004987410.1).
Genomic context (GRCh38, chr16:16,155,079, plus strand): 5'-CAACGATGCCCACCTGCCCGGGGTTGGGAGGAAAGGCCTGCTCTGACCAGAGGGTTTGTG[G>A]GCATTTATTGGGGAGATCTTTCTGCTGTACCCGAGATCTGTCTATCCATCCCTCATTGTG-3'